The following is an entry in ClinVar:

NM_001321120.2(TBX4):c.1115del (p.Pro372fs)

Gene: TBX4 (T-box transcription factor 4; plus strand). Cytogenetic location: 17q23.2.
Variant type: Deletion.
Coding change: c.1115del on transcript NM_001321120.2 (MANE Select); coding-DNA position 1115, one base deleted (C; older notation c.1115delC).
Protein change: p.Pro372fs; shifts the reading frame from proline 372.
Molecular consequence: frameshift variant.
Genome position (GRCh38, 1-based): chr17:61,482,990, C deleted; the last of 7 consecutive C bases (chr17:61,482,984-61,482,990); deleting any one gives the same sequence. VCF-style (leftmost placement, unchanged base first): chr17-61482983-TC-T. GRCh37 (hg19) VCF-style: chr17-59560344-TC-T.
Other names: c.1112del, p.Pro371fs (NM_018488.3); c.1115del, p.Pro372fs (LRG_1206t1); c.1112delC (NM_018488.3); short protein forms P371fs, P372fs.
Identifiers: ClinVar variation 548694 (VCV000548694.8), dbSNP rs754897911, ClinGen allele CA501334747.

ClinVar aggregate classification (germline): Pathogenic/Likely pathogenic. Review status: criteria provided, multiple submitters, no conflicts (2 of 4 stars). 4 submissions from 3 submitters: Pathogenic (2); Likely pathogenic (1). 1 of the submissions does not count toward it. Last evaluated 2026-08-24.

Conditions:
Pulmonary arterial hypertension associated with congenital heart disease. Identifiers: Orphanet 275803, MedGen C3697119, MONDO:0017152.
Pulmonary hypertension, primary, 1 (PPH1). Also called: Pulmonary hypertension, familial primary, 1, with or without HHT. Identifiers: Orphanet 422, MedGen C4552070, MONDO:0024533, OMIM 178600.
TBX4-related disorder. Also called: TBX4-related condition; TBX4-related disorders.

Submissions (4):

PreventionGenetics, part of Exact Sciences
Classification: Pathogenic for TBX4-related condition. Last evaluated: 2026-08-24. Review status: criteria provided, single submitter. Criteria: ACMG Guidelines, 2015. Collection method: clinical testing. Allele origin: germline.
Comment: The TBX4 c.1112delC variant is predicted to result in a frameshift and premature protein termination (p.Pro371Leufs*8). This variant, also referred to as c.1106delC, has been reported in the heterozygous state in an individual with pulmonary arterial hypertension associated with congenital heart disease (Zhu et al. 2018. PubMed ID: 30029678) and in multiple individuals with pulmonary arterial hypertension (Wang et al. 2019. PubMed ID: 30578397; van den Heuvel et al. 2020. PubMed ID: 33066286; Jansen et al. 2020. PubMed ID: 32409423). However, this variant has also been identified in the heterozygous state in unaffected family members (Jansen et al. 2020. PubMed ID: 32409423). This variant resides in the large terminal exon of this gene; however, frameshift variants upstream and downstream have been reported in the heterozygous state in individuals with pulmonary arterial hypertension (see for example, Table S3, Zhu et al. 2019. PubMed ID: 31727138). This variant is reported in 0.00088% of alleles in individuals of European (Non-Finnish) descent in gnomAD. Frameshift variants in TBX4 are expected to be pathogenic. This variant is interpreted as pathogenic.

Labcorp Genetics (formerly Invitae), Labcorp
Classification: Pathogenic. Last evaluated: 2022-09-22. Review status: criteria provided, single submitter. Criteria: Invitae Variant Classification Sherloc (09022015). Collection method: clinical testing. Allele origin: germline.
Comment: For these reasons, this variant has been classified as Pathogenic. This variant disrupts a region of the TBX4 protein in which other variant(s) (p.Arg389Glnfs*30) have been determined to be pathogenic (PMID: 15106123). This suggests that this is a clinically significant region of the protein, and that variants that disrupt it are likely to be disease-causing. ClinVar contains an entry for this variant (Variation ID: 548694). This premature translational stop signal has been observed in individuals with pulmonary arterial hypertension (PMID: 30029678, 30578397, 33066286). The frequency data for this variant in the population databases is considered unreliable, as metrics indicate poor data quality at this position in the gnomAD database. This sequence change creates a premature translational stop signal (p.Pro371Leufs*8) in the TBX4 gene. While this is not anticipated to result in nonsense mediated decay, it is expected to disrupt the last 175 amino acid(s) of the TBX4 protein.

Wendy Chung Laboratory, Boston Children's Hospital
Classification: Likely pathogenic for Pulmonary hypertension, primary, 1. Last evaluated: 2019-11-01. Review status: criteria provided, single submitter. Criteria: ACMG Guidelines, 2015. Collection method: research, literature only. Allele origin: germline. Inheritance: Autosomal dominant inheritance. Affected: yes. Observed: 3 heterozygotes. Clinical features observed: pulmonary arterial hypertension associated with congenital heart disease, pulmonary arterial hypertension, small patella.

Wendy Chung Laboratory, Boston Children's Hospital
Classification: Uncertain significance for Pulmonary arterial hypertension associated with congenital heart disease. Last evaluated: 2018-06-27. Review status: flagged submission. Criteria: ACMG Guidelines, 2015. Collection method: case-control. Allele origin: maternal. Affected: yes. Observed: 1 variant allele. Not counted in ClinVar's aggregate classification.
ClinVar note: Reason: Unnecessary conflicting claim for distinct condition when other classifications are more relevant

Literature cited by the submitters: PubMed 15106123 (cited by Labcorp Genetics (formerly Invitae), Labcorp); PubMed 30029678 (cited by Labcorp Genetics (formerly Invitae), Labcorp and Wendy Chung Laboratory, Boston Children's Hospital); PubMed 30578397 (cited by Labcorp Genetics (formerly Invitae), Labcorp and Wendy Chung Laboratory, Boston Children's Hospital); PubMed 33066286 (cited by Labcorp Genetics (formerly Invitae), Labcorp and Wendy Chung Laboratory, Boston Children's Hospital); PubMed 31727138 (cited by Wendy Chung Laboratory, Boston Children's Hospital).